The following is an entry in ClinVar:

NM_006282.5(STK4):c.526-73C>T

Gene: STK4 (serine/threonine kinase 4; plus strand). Cytogenetic location: 20q13.12.
Variant type: single nucleotide variant.
Coding change: c.526-73C>T on transcript NM_006282.5 (MANE Select); 73 bases into the intron before coding-DNA position 526, C replaced by T.
Molecular consequence: intron variant.
Genome position (GRCh38, 1-based): chr20:44,995,017, C>T. VCF-style: chr20-44995017-C-T. GRCh37 (hg19) VCF-style: chr20-43623658-C-T.
Other names: NC_000020.10:g.43623658C>T; c.526-73C>T (NM_001352385.2).
Identifiers: ClinVar variation 2628218 (VCV002628218.3), dbSNP rs6017460, ClinGen allele CA14850721.

ClinVar aggregate classification (germline): Benign (1 of 4 stars; one submission).

Allele frequency attached by ClinVar (database versions not stated): TOPMed 0.40437; 1000 Genomes Project 0.36002; gnomAD 0.43991.
gnomAD v4.1: 505,919 of 1,059,060 alleles (48%); highest among the groups gnomAD compares: Non-Finnish European, 50%; 119,235 homozygotes.

Submissions (4):

Unidad de Genómica Garrahan, Hospital de Pediatría Garrahan
Classification: Benign. Last evaluated: 2023-11-12. Review status: criteria provided, single submitter. Criteria: ACMG Guidelines, 2015. Collection method: clinical testing. Allele origin: germline. Affected: no. Observed: 36 variant alleles.
Comment: This variant is classified as Benign based on local population frequency. This variant was detected in 38% of patients studied by a panel of primary immunodeficiencies. Number of patients: 36. Only high quality variants are reported.

Dr. Peter K. Rogan Lab, Western University
No classification provided (evidence only). Condition: Hepatocellular carcinoma. Review status: no classification provided. Collection method: in vitro. Allele origin: not applicable. Functional consequence: retained intron. Not counted in ClinVar's aggregate classification.

Dr. Peter K. Rogan Lab, Western University
No classification provided (evidence only). Condition: Hepatocellular carcinoma. Review status: no classification provided. Collection method: in vitro. Allele origin: not applicable. Functional consequence: retained intron. Not counted in ClinVar's aggregate classification.

Dr. Peter K. Rogan Lab, Western University
No classification provided (evidence only). Condition: Hepatocellular carcinoma. Review status: no classification provided. Collection method: in vitro. Allele origin: not applicable. Functional consequence: retained intron. Not counted in ClinVar's aggregate classification.